The following is an entry in ClinVar:

NM_001079.4(ZAP70):c.939C>T (p.Ser313=)

Gene: ZAP70 (zeta chain of T cell receptor associated protein kinase 70; plus strand). Cytogenetic location: 2q11.2.
Variant type: single nucleotide variant.
Coding change: c.939C>T on transcript NM_001079.4 (MANE Select); coding-DNA position 939, C replaced by T.
Protein change: p.Ser313=; no amino-acid change (serine 313 retained).
Molecular consequence: synonymous variant.
Genome position (GRCh38, 1-based): chr2:97,734,569, C>T. VCF-style: chr2-97734569-C-T. GRCh37 (hg19) VCF-style: chr2-98351032-C-T.
Other names: c.939C>T, p.Ser313= (NM_001378594.1); c.18C>T, p.Ser6= (NM_207519.2).
Identifiers: ClinVar variation 2500111 (VCV002500111.5), dbSNP rs145218891, ClinGen allele CA1790329.

ClinVar aggregate classification (germline): Conflicting classifications of pathogenicity. Review status: criteria provided, conflicting classifications (1 of 4 stars). 2 submissions from 2 submitters: Uncertain significance (1); Likely benign (1). Last evaluated 2026-01-11.

Conditions:
Combined immunodeficiency due to ZAP70 deficiency (IMD48). Also called: ZAP70 Deficiency; Immunodeficiency 48. Identifiers: Orphanet 911, MedGen C2931299, MONDO:0010023, OMIM 269840.
Autoimmune disease, multisystem, infantile-onset, 2 (ADMIO2). Identifiers: MedGen C4310768, MONDO:0014861, OMIM 617006.

Allele frequency attached by ClinVar (database versions not stated): ESP Exome Variant Server 0.00008.
gnomAD v4.1: 56 of 1,614,038 alleles (0.0035%); highest among the groups gnomAD compares: Non-Finnish European, 0.004%; no homozygotes.

Submissions (2):

Labcorp Genetics (formerly Invitae), Labcorp
Classification: Likely benign for Combined immunodeficiency due to ZAP70 deficiency. Last evaluated: 2026-01-11. Review status: criteria provided, single submitter. Criteria: Invitae Variant Classification Sherloc (09022015). Collection method: clinical testing. Allele origin: germline.

Center for Genomics, Ann and Robert H. Lurie Children's Hospital of Chicago
Classification: Uncertain significance for Combined immunodeficiency due to ZAP70 deficiency; Autoimmune disease, multisystem, infantile-onset, 2. Review status: criteria provided, single submitter. Criteria: ACMG Guidelines, 2015. Collection method: clinical testing. Allele origin: germline.
Comment: This variant has not been reported in the literature but is present in the Genome Aggregation Database (Highest reported MAF 0.004% (3/68042). Evolutionary conservation and computational predictive tools for this variant are limited or unavailable. Of note, this variant is a silent variant and does not change the amino acid, reducing the probability that this variant is disease causing. In summary, data on this variant is insufficient for disease classification. Therefore, the clinical significance of this variant is uncertain.